The following is an entry in ClinVar:

ClinVar aggregate classification (germline): Pathogenic (1 of 4 stars; one submission).

Conditions:
Familial cancer of breast. Also called: Hereditary breast cancer; BREAST CANCER, FAMILIAL; hereditary breast carcinoma. Identifiers: Orphanet 227535, MedGen C0346153, MONDO:0016419, OMIM 114480. Disease mechanism: loss of function.

Submission:

Myriad Genetics, Inc.
Classification: Pathogenic for Familial cancer of breast. Last evaluated: 2023-09-07. Review status: criteria provided, single submitter. Criteria: Myriad Autosomal Dominant, Autosomal Recessive and X-Linked Classification Criteria (2023). Collection method: clinical testing. Allele origin: unknown.
Comment: This variant is considered pathogenic. This variant creates a frameshift predicted to result in premature protein truncation.

NM_024675.4(PALB2):c.1064_1067del (p.Leu355fs)

Gene: PALB2 (partner and localizer of BRCA2; minus strand). Cytogenetic location: 16p12.2.
Variant type: Deletion.
Coding change: c.1064_1067del on transcript NM_024675.4 (MANE Select); coding-DNA positions 1064 to 1067, 4 bases deleted (TAAA; older notation c.1064_1067delTAAA).
Protein change: p.Leu355fs; shifts the reading frame from leucine 355.
Molecular consequence: frameshift variant. On other transcripts: intron variant (3).
Genome position (GRCh38, 1-based): chr16:23,635,479-23,635,482, TTTA deleted on the plus strand (TAAA on the coding strand, the reverse complement: PALB2 is on the minus strand). VCF-style (leftmost placement, unchanged base first): chr16-23635478-TTTTA-T. GRCh37 (hg19) VCF-style: chr16-23646799-TTTTA-T.
Other names: c.1004_1007del, p.Leu335fs (NM_001407296.1); c.1064_1067del, p.Leu355fs (NM_001407297.1, NM_001407298.1, NM_001407299.1 and 3 more transcripts); c.179_182del, p.Leu60fs (NM_001407304.1, NM_001407305.1, NM_001407306.1 and 5 more transcripts); c.48+5628_48+5631del (NM_001407314.1); c.-104-5013_-104-5010del (NM_001407313.1, NM_001407312.1); short protein forms L335fs, L355fs, L60fs.
Identifiers: ClinVar variation 2674073 (VCV002674073.1), dbSNP rs2506490234, ClinGen allele CA2695197515.